The following is an entry in ClinVar:

ClinVar aggregate classification (germline): Uncertain significance. Review status: criteria provided, multiple submitters, no conflicts (2 of 4 stars). 4 submissions from 4 submitters: Uncertain significance (4). Last evaluated 2025-07-01.

Conditions:
Dilated cardiomyopathy 1G (CMD1G). Identifiers: Orphanet 154, MedGen C1858763, MONDO:0011400, OMIM 604145.
Autosomal recessive limb-girdle muscular dystrophy type 2J (LGMDR10). Also called: Limb-girdle muscular dystrophy, type 2J; MUSCULAR DYSTROPHY, LIMB-GIRDLE, AUTOSOMAL RECESSIVE 10. Identifiers: Orphanet 140922, MedGen C1837342, MONDO:0012127, OMIM 608807.

Allele frequency attached by ClinVar (database versions not stated): TOPMed 0.00004; ESP Exome Variant Server 0.00008; ExAC 0.00010; gnomAD exomes 0.00010; 1000 Genomes Project 30x 0.00016; 1000 Genomes Project 0.00020.
gnomAD v4.1: 70 of 1,614,118 alleles (0.0043%); highest among the groups gnomAD compares: South Asian, 0.014%; no homozygotes.

Submissions (4):

CeGaT Center for Human Genetics Tuebingen
Classification: Uncertain significance. Last evaluated: 2025-07-01. Review status: criteria provided, single submitter. Criteria: CeGaT Center For Human Genetics Tuebingen Variant Classification Criteria Version 2. Collection method: clinical testing. Allele origin: germline. Affected: yes. Observed: 1 variant allele.
Comment: TTN: PM2

Mayo Clinic Laboratories, Mayo Clinic
Classification: Uncertain significance. Last evaluated: 2025-04-14. Review status: criteria provided, single submitter. Criteria: ACMG Guidelines, 2015. Collection method: clinical testing. Allele origin: germline. Observed: 2 variant alleles.

Revvity Omics, Revvity
Classification: Uncertain significance. Last evaluated: 2022-03-28. Review status: criteria provided, single submitter. Criteria: ACMG Guidelines, 2015. Collection method: clinical testing. Allele origin: germline.

Labcorp Genetics (formerly Invitae), Labcorp
Classification: Uncertain significance for Dilated cardiomyopathy 1G; Autosomal recessive limb-girdle muscular dystrophy type 2J. Last evaluated: 2017-08-11. Review status: criteria provided, single submitter. Criteria: Invitae Variant Classification Sherloc (09022015). Collection method: clinical testing. Allele origin: germline.

Literature cited by the submitters: PubMed 31983221 (cited by Mayo Clinic Laboratories, Mayo Clinic).

NM_001267550.2(TTN):c.5048G>A (p.Arg1683Gln)

Gene: TTN (titin; minus strand). Cytogenetic location: 2q31.2.
Variant type: single nucleotide variant.
Coding change: c.5048G>A on transcript NM_001267550.2 (MANE Select); coding-DNA position 5048, G replaced by A.
Protein change: p.Arg1683Gln; replaces arginine 1683 with glutamine.
Molecular consequence: missense variant.
Genome position (GRCh38, 1-based): chr2:178,776,816, C>T on the plus strand (G>A on the coding strand, the complement: TTN is on the minus strand). VCF-style: chr2-178776816-C-T. GRCh37 (hg19) VCF-style: chr2-179641543-C-T.
Other names: p.Arg1683Gln; c.5048G>A, p.Arg1683Gln (NM_001256850.1, NM_133378.4, NM_133379.5); c.4910G>A, p.Arg1637Gln (NM_003319.4, NM_133432.3, NM_133437.4); short protein forms R1683Q, R1637Q.
Identifiers: ClinVar variation 535309 (VCV000535309.15), dbSNP rs368122582, ClinGen allele CA2005227.
Genomic context (GRCh38, chr2:178,776,816, plus strand): 5'-GGTTTCTGTTGTTTCTCTTTGTCATAGAGATCACCTTCTTCCCATTGCTCTTGGCCATAT[C>T]GCAAATGGAGGGGCTCCAGTTCTGGGGCTGCAATCTCCTTTGCTCTATATGTCCCCCGTG-3'
Protein context (NP_001254479.2, residues 1673-1693): AAPELEPLHL[Arg1683Gln]YGQEQWEEGD